The following is an entry in ClinVar:

ClinVar aggregate classification (germline): Uncertain significance (1 of 4 stars; one submission).

Conditions:
Familial thoracic aortic aneurysm and aortic dissection (TAAD). Also called: Thoracic aortic aneurysms and dissections. Identifiers: Orphanet 91387, MedGen C4707243, MONDO:0019625.

Submission:

Labcorp Genetics (formerly Invitae), Labcorp
Classification: Uncertain significance for Familial thoracic aortic aneurysm and aortic dissection. Last evaluated: 2024-02-14. Review status: criteria provided, single submitter. Criteria: Invitae Variant Classification Sherloc (09022015). Collection method: clinical testing. Allele origin: germline.
Comment: This sequence change replaces isoleucine, which is neutral and non-polar, with valine, which is neutral and non-polar, at codon 65 of the MAT2A protein (p.Ile65Val). This variant is not present in population databases (gnomAD no frequency). This variant has not been reported in the literature in individuals affected with MAT2A-related conditions. An algorithm developed to predict the effect of missense changes on protein structure and function (PolyPhen-2) suggests that this variant is likely to be tolerated. In summary, the available evidence is currently insufficient to determine the role of this variant in disease. Therefore, it has been classified as a Variant of Uncertain Significance.

NM_005911.6(MAT2A):c.193A>G (p.Ile65Val)

Genes: GGCX (gamma-glutamyl carboxylase; minus strand), MAT2A (methionine adenosyltransferase 2A; plus strand). Cytogenetic location: 2p11.2.
Variant type: single nucleotide variant.
Coding change: c.193A>G on transcript NM_005911.6 (MANE Select); coding-DNA position 193, A replaced by G.
Protein change: p.Ile65Val; replaces isoleucine 65 with valine.
Molecular consequence: missense variant.
Genome position (GRCh38, 1-based): chr2:85,541,278, A>G. VCF-style: chr2-85541278-A-G. GRCh37 (hg19) VCF-style: chr2-85768401-A-G.
Other names: short protein forms I65V.
Identifiers: ClinVar variation 3711901 (VCV003711901.2).
Genomic context (GRCh38, chr2:85,541,278, plus strand): 5'-AGAAGTGATGTTTGAGTTGAATGTCTCTTTTTATTAGAAACTGTTGCTAAAACTGGAATG[A>G]TCCTTCTTGCTGGGGAAATTACATCCAGAGCTGCTGTTGACTACCAGAAAGTGGTTCGTG-3'
Protein context (NP_005902.1, residues 55-75): ACETVAKTGM[Ile65Val]LLAGEITSRA